The following is an entry in ClinVar:

NM_012301.4(MAGI2):c.3709G>T (p.Glu1237Ter)

Gene: MAGI2 (membrane associated guanylate kinase, WW and PDZ domain containing 2; minus strand). Cytogenetic location: 7q21.11.
Variant type: single nucleotide variant.
Coding change: c.3709G>T on transcript NM_012301.4 (MANE Select); coding-DNA position 3709, G replaced by T.
Protein change: p.Glu1237Ter; replaces glutamic acid 1237 with a stop codon.
Molecular consequence: nonsense.
Genome position (GRCh38, 1-based): chr7:78,019,974, C>A on the plus strand (G>T on the coding strand, the complement: MAGI2 is on the minus strand). VCF-style: chr7-78019974-C-A. GRCh37 (hg19) VCF-style: chr7-77649291-C-A.
Other names: c.3667G>T, p.Glu1223Ter (NM_001301128.2); short protein forms E1237*, E1223*.
Identifiers: ClinVar variation 3122259 (VCV003122259.1), dbSNP rs1185333849, ClinGen allele CA367846877.

ClinVar aggregate classification (germline): Uncertain significance (1 of 4 stars; one submission).

Submission:

Ambry Genetics
Classification: Uncertain significance. Last evaluated: 2023-11-21. Review status: criteria provided, single submitter. Criteria: Ambry Variant Classification Scheme 2023. Collection method: clinical testing. Allele origin: germline.
Comment: Does not currently meet published gene-disease clinical validity criteria Based on insufficient or conflicting evidence, the clinical significance of this alteration remains unclear.

Literature cited by the submitters: PubMed 28106320.